The following is an entry in ClinVar:

NM_021098.3(CACNA1H):c.869T>G (p.Ile290Ser)

Gene: CACNA1H (calcium voltage-gated channel subunit alpha1 H; plus strand). Cytogenetic location: 16p13.3.
Variant type: single nucleotide variant.
Coding change: c.869T>G on transcript NM_021098.3 (MANE Select); coding-DNA position 869, T replaced by G.
Protein change: p.Ile290Ser; replaces isoleucine 290 with serine.
Molecular consequence: missense variant.
Genome position (GRCh38, 1-based): chr16:1,200,321, T>G. VCF-style: chr16-1200321-T-G. GRCh37 (hg19) VCF-style: chr16-1250321-T-G.
Other names: c.869T>G, p.Ile290Ser (NM_001005407.2); short protein forms I290S.
Identifiers: ClinVar variation 4975553 (VCV004975553.1).

ClinVar aggregate classification (germline): Uncertain significance (1 of 4 stars; one submission).

Submission:

GeneDx
Classification: Uncertain significance. Last evaluated: 2026-01-22. Review status: criteria provided, single submitter. Criteria: GeneDx Variant Classification Process June 2021. Collection method: clinical testing. Allele origin: germline.
Comment: Not observed at significant frequency in large population cohorts (gnomAD); In silico analysis supports that this missense variant has a deleterious effect on protein structure/function; Has not been previously published as pathogenic or benign to our knowledge